The following is an entry in ClinVar:

ClinVar aggregate classification (germline): Uncertain significance (1 of 4 stars; one submission).

Allele frequency attached by ClinVar (database versions not stated): gnomAD exomes below 0.00001.
gnomAD v4.1: 1 of 1,614,166 alleles (0.000062%); highest among the groups gnomAD compares: Non-Finnish European, 0.000085%; no homozygotes.

Submission:

Labcorp Genetics (formerly Invitae), Labcorp
Classification: Uncertain significance. Last evaluated: 2025-11-18. Review status: criteria provided, single submitter. Criteria: Invitae Variant Classification Sherloc (09022015). Collection method: clinical testing. Allele origin: germline.
Comment: This sequence change replaces alanine, which is neutral and non-polar, with valine, which is neutral and non-polar, at codon 2574 of the KMT2A protein (p.Ala2574Val). This variant is not present in population databases (gnomAD no frequency). This variant has not been reported in the literature in individuals affected with KMT2A-related conditions. ClinVar contains an entry for this variant (Variation ID: 2879017). Invitae Evidence Modeling of protein sequence and biophysical properties (such as structural, functional, and spatial information, amino acid conservation, physicochemical variation, residue mobility, and thermodynamic stability) indicates that this missense variant is not expected to disrupt KMT2A protein function with a negative predictive value of 95%. In summary, the available evidence is currently insufficient to determine the role of this variant in disease. Therefore, it has been classified as a Variant of Uncertain Significance.

NM_001197104.2(KMT2A):c.7721C>T (p.Ala2574Val)

Gene: KMT2A (lysine methyltransferase 2A; plus strand). Cytogenetic location: 11q23.3.
Variant type: single nucleotide variant.
Coding change: c.7721C>T on transcript NM_001197104.2 (MANE Select); coding-DNA position 7721, C replaced by T.
Protein change: p.Ala2574Val; replaces alanine 2574 with valine.
Molecular consequence: missense variant.
Genome position (GRCh38, 1-based): chr11:118,503,613, C>T. VCF-style: chr11-118503613-C-T. GRCh37 (hg19) VCF-style: chr11-118374328-C-T.
Other names: c.7811C>T, p.Ala2604Val (NM_001412597.1); c.7712C>T, p.Ala2571Val (NM_005933.4); short protein forms A2574V, A2604V, A2571V.
Identifiers: ClinVar variation 2879017 (VCV002879017.3), dbSNP rs2134393938, ClinGen allele CA382806725.